The following is an entry in ClinVar:

ClinVar aggregate classification (germline): Uncertain significance (1 of 4 stars; one submission).

Allele frequency attached by ClinVar (database versions not stated): ExAC 0.00001.
gnomAD v4.1: 1 of 1,613,922 alleles (0.000062%); no homozygotes.

Submission:

Labcorp Genetics (formerly Invitae), Labcorp
Classification: Uncertain significance. Last evaluated: 2023-05-15. Review status: criteria provided, single submitter. Criteria: Invitae Variant Classification Sherloc (09022015). Collection method: clinical testing. Allele origin: germline.
Comment: This sequence change replaces glycine, which is neutral and non-polar, with aspartic acid, which is acidic and polar, at codon 2429 of the ITPR1 protein (p.Gly2429Asp). This variant is present in population databases (rs778445347, gnomAD 0.003%). This variant has not been reported in the literature in individuals affected with ITPR1-related conditions. Advanced modeling of protein sequence and biophysical properties (such as structural, functional, and spatial information, amino acid conservation, physicochemical variation, residue mobility, and thermodynamic stability) performed at Invitae indicates that this missense variant is not expected to disrupt ITPR1 protein function. In summary, the available evidence is currently insufficient to determine the role of this variant in disease. Therefore, it has been classified as a Variant of Uncertain Significance.

NM_001378452.1(ITPR1):c.7475G>A (p.Gly2492Asp)

Gene: ITPR1 (inositol 1,4,5-trisphosphate receptor type 1; plus strand). Cytogenetic location: 3p26.1.
Variant type: single nucleotide variant.
Coding change: c.7475G>A on transcript NM_001378452.1 (MANE Select); coding-DNA position 7475, G replaced by A.
Protein change: p.Gly2492Asp; replaces glycine 2492 with aspartic acid.
Molecular consequence: missense variant.
Genome position (GRCh38, 1-based): chr3:4,813,148, G>A. VCF-style: chr3-4813148-G-A. GRCh37 (hg19) VCF-style: chr3-4854832-G-A.
Other names: c.7286G>A, p.Gly2429Asp (NM_002222.7); c.7331G>A, p.Gly2444Asp (NM_001099952.4); c.7430G>A, p.Gly2477Asp (NM_001168272.2); short protein forms G2429D, G2477D, G2444D, G2492D.
Identifiers: ClinVar variation 2901818 (VCV002901818.3), dbSNP rs778445347, ClinGen allele CA2232857.